The following is an entry in ClinVar:

NM_020366.4(RPGRIP1):c.1563G>C (p.Lys521Asn)

Gene: RPGRIP1 (RPGR interacting protein 1; plus strand). Cytogenetic location: 14q11.2.
Variant type: single nucleotide variant.
Coding change: c.1563G>C on transcript NM_020366.4 (MANE Select); coding-DNA position 1563, G replaced by C.
Protein change: p.Lys521Asn; replaces lysine 521 with asparagine.
Molecular consequence: missense variant. On other transcripts: 5 prime UTR variant (1).
Genome position (GRCh38, 1-based): chr14:21,321,354, G>C. VCF-style: chr14-21321354-G-C. GRCh37 (hg19) VCF-style: chr14-21789513-G-C.
Other names: c.489G>C, p.Lys163Asn (NM_001377523.1, NM_001377948.1, NM_001377949.1 and 1 more transcripts); c.-10G>C (NM_001377951.1); short protein forms K163N, K521N.
Identifiers: ClinVar variation 2125575 (VCV002125575.4), dbSNP rs1419784919, ClinGen allele CA388865414.

ClinVar aggregate classification (germline): Uncertain significance (1 of 4 stars; one submission).

Conditions:
Cone-rod dystrophy 13 (CORD13). Identifiers: Orphanet 1872, MedGen C2750720, MONDO:0011987, OMIM 608194.
Leber congenital amaurosis 6 (LCA6). Identifiers: Orphanet 65, MedGen C1854260, MONDO:0013446, OMIM 613826.

Submission:

Labcorp Genetics (formerly Invitae), Labcorp
Classification: Uncertain significance for Leber congenital amaurosis 6; Cone-rod dystrophy 13. Last evaluated: 2023-11-13. Review status: criteria provided, single submitter. Criteria: Invitae Variant Classification Sherloc (09022015). Collection method: clinical testing. Allele origin: germline.
Comment: This sequence change replaces lysine, which is basic and polar, with asparagine, which is neutral and polar, at codon 521 of the RPGRIP1 protein (p.Lys521Asn). This variant is not present in population databases (gnomAD no frequency). This variant has not been reported in the literature in individuals affected with RPGRIP1-related conditions. ClinVar contains an entry for this variant (Variation ID: 2125575). Advanced modeling of protein sequence and biophysical properties (such as structural, functional, and spatial information, amino acid conservation, physicochemical variation, residue mobility, and thermodynamic stability) performed at Invitae indicates that this missense variant is expected to disrupt RPGRIP1 protein function with a positive predictive value of 80%. In summary, the available evidence is currently insufficient to determine the role of this variant in disease. Therefore, it has been classified as a Variant of Uncertain Significance.